The following is an entry in ClinVar:

NM_001123385.2(BCOR):c.830C>T (p.Pro277Leu)

Genes: BCOR (BCL6 corepressor; minus strand), LOC126863239 (MED14-independent group 3 enhancer GRCh37_chrX:39932994-39934193; plus strand). Cytogenetic location: Xp11.4.
Variant type: single nucleotide variant.
Coding change: c.830C>T on transcript NM_001123385.2 (MANE Select); coding-DNA position 830, C replaced by T.
Protein change: p.Pro277Leu; replaces proline 277 with leucine.
Molecular consequence: missense variant.
Genome position (GRCh38, 1-based): chrX:40,074,516, G>A on the plus strand (C>T on the coding strand, the complement: BCOR is on the minus strand). VCF-style: chrX-40074516-G-A. GRCh37 (hg19) VCF-style: chrX-39933769-G-A.
Other names: c.830C>T, p.Pro277Leu (NM_001123383.2, NM_001123384.2, NM_001437510.1 and 4 more transcripts); short protein forms P277L.
Identifiers: ClinVar variation 4779769 (VCV004779769.1).

ClinVar aggregate classification (germline): Uncertain significance (1 of 4 stars; one submission).

Conditions:
Oculofaciocardiodental syndrome (MCOPS2). Identifiers: Orphanet 2712, MedGen C1846265, MONDO:0010261, OMIM 300166.

Submission:

Labcorp Genetics (formerly Invitae), Labcorp
Classification: Uncertain significance for Oculofaciocardiodental syndrome. Last evaluated: 2025-08-31. Review status: criteria provided, single submitter. Criteria: Invitae Variant Classification Sherloc (09022015). Collection method: clinical testing. Allele origin: germline.
Comment: This sequence change replaces proline, which is neutral and non-polar, with leucine, which is neutral and non-polar, at codon 277 of the BCOR protein (p.Pro277Leu). This variant is present in population databases (rs751872253, gnomAD 0.02%). This variant has not been reported in the literature in individuals affected with BCOR-related conditions. An algorithm developed to predict the effect of missense changes on protein structure and function (PolyPhen-2) suggests that this variant is likely to be disruptive. In summary, the available evidence is currently insufficient to determine the role of this variant in disease. Therefore, it has been classified as a Variant of Uncertain Significance.